The following is an entry in ClinVar:

ClinVar aggregate classification (germline): Uncertain significance (1 of 4 stars; one submission).

Submission:

GeneDx
Classification: Uncertain significance. Last evaluated: 2025-09-02. Review status: criteria provided, single submitter. Criteria: GeneDx Variant Classification Process June 2021. Collection method: clinical testing. Allele origin: germline. Affected: yes.
Comment: Not observed at significant frequency in large population cohorts (gnomAD); In silico analysis suggests that this missense variant does not alter protein structure/function; Has not been previously published as pathogenic or benign to our knowledge; Reported using an alternate transcript of the gene

NM_000501.4(ELN):c.1358-183G>A

Gene: ELN (elastin; plus strand). Cytogenetic location: 7q11.23.
Variant type: single nucleotide variant.
Coding change: c.1358-183G>A on transcript NM_000501.4 (MANE Select); 183 bases into the intron before coding-DNA position 1358, G replaced by A.
Molecular consequence: intron variant. On other transcripts: missense variant (1).
Genome position (GRCh38, 1-based): chr7:74,057,457, G>A. VCF-style: chr7-74057457-G-A. GRCh37 (hg19) VCF-style: chr7-73471787-G-A.
Other names: c.1433G>A, p.Gly478Glu (NM_001278939.2); c.1373-183G>A (NM_001081754.3); c.1372+744G>A (NM_001081753.3); c.1358-183G>A (NM_001278915.2, NM_001278912.2); c.1357+744G>A (NM_001081755.3); c.1315+744G>A (NM_001278916.2); c.1171+744G>A (NM_001278913.2); c.1342+744G>A (NM_001278914.2); and 3 more; short protein forms G478E.
Identifiers: ClinVar variation 4812882 (VCV004812882.1).
Genomic context (GRCh38, chr7:74,057,457, plus strand): 5'-GAGTGCTGGGTGGGCTAGTGCCAGGTGCCCCAGGCGCAGTCCCAGGTGTGCCGGGCACGG[G>A]AGGAGTGCCAGGTGAGCTGTGTCTCCAGCCCAGAGATGGGTTTGGTTTGTCTCATGGAAG-3'